The following is an entry in ClinVar:

NM_001242896.3(DEPDC5):c.1958dup (p.His653fs)

Gene: DEPDC5 (DEP domain containing 5, GATOR1 subcomplex subunit; plus strand). Cytogenetic location: 22q12.3.
Variant type: Duplication.
Coding change: c.1958dup on transcript NM_001242896.3 (MANE Select); coding-DNA position 1958, one base duplicated (A; older notation c.1958dupA).
Protein change: p.His653fs; shifts the reading frame from histidine 653.
Molecular consequence: frameshift variant. On other transcripts: non-coding transcript variant (4), intron variant (3).
Genome position (GRCh38, 1-based): chr22:31,821,589, A duplicated. VCF-style (leftmost placement, unchanged base first): chr22-31821588-C-CA. GRCh37 (hg19) VCF-style: chr22-32217574-C-CA.
Other names: c.1958dupA (NM_001242896.1); c.1958dup, p.His653fs (NM_001136029.4, NM_001363852.2, NM_001364318.2 and 3 more transcripts); c.1874dup, p.His625fs (NM_001369901.1, NM_001369902.1); c.1870+2364dup (NM_001363854.2, NM_001242897.2, NM_001364319.2); short protein forms H653fs, H625fs.
Identifiers: ClinVar variation 421006 (VCV000421006.9), dbSNP rs1475605360, ClinGen allele CA16621109.

ClinVar aggregate classification (germline): Pathogenic/Likely pathogenic. Review status: criteria provided, multiple submitters, no conflicts (2 of 4 stars). 3 submissions from 3 submitters: Pathogenic (1); Likely pathogenic (2). Last evaluated 2025-07-16.

Conditions:
Familial focal epilepsy with variable foci (FPEVF). Identifiers: Orphanet 98820, MedGen C1858477, MONDO:0020310.
DEPDC5-related disorder. Also called: DEPDC5-related related disorder; DEPDC5-related condition.

Allele frequency attached by ClinVar (database versions not stated): gnomAD exomes below 0.00001; gnomAD 0.00001.

Submissions (3):

GeneDx
Classification: Likely pathogenic. Last evaluated: 2025-07-16. Review status: criteria provided, single submitter. Criteria: GeneDx Variant Classification Process June 2021. Collection method: clinical testing. Allele origin: germline. Affected: yes.
Comment: Frameshift variant predicted to result in protein truncation or nonsense mediated decay in a gene for which loss-of-function is a known mechanism of disease; Not observed at significant frequency in large population cohorts (gnomAD); Has not been previously published as pathogenic or benign to our knowledge

Labcorp Genetics (formerly Invitae), Labcorp
Classification: Pathogenic for Familial focal epilepsy with variable foci. Last evaluated: 2024-08-24. Review status: criteria provided, single submitter. Criteria: Invitae Variant Classification Sherloc (09022015). Collection method: clinical testing. Allele origin: germline.
Comment: This sequence change creates a premature translational stop signal (p.His653Glnfs*13) in the DEPDC5 gene. It is expected to result in an absent or disrupted protein product. Loss-of-function variants in DEPDC5 are known to be pathogenic (PMID: 23542697, 23542701). This variant is present in population databases (no rsID available, gnomAD 0.007%). This variant has not been reported in the literature in individuals affected with DEPDC5-related conditions. ClinVar contains an entry for this variant (Variation ID: 421006). For these reasons, this variant has been classified as Pathogenic.

Institute of Medical Genetics and Applied Genomics, University Hospital Tübingen
Classification: Likely pathogenic. Last evaluated: 2020-10-23. Review status: criteria provided, single submitter. Criteria: ACMG Guidelines, 2015. Collection method: clinical testing. Allele origin: germline. Inheritance: Unknown mechanism. Affected: yes.

Literature cited by the submitters: PubMed 23542697 (cited by Labcorp Genetics (formerly Invitae), Labcorp); PubMed 23542701 (cited by Labcorp Genetics (formerly Invitae), Labcorp).